The following is an entry in ClinVar:

ClinVar aggregate classification (germline): Uncertain significance (1 of 4 stars; one submission).

Submission:

GeneDx
Classification: Uncertain significance. Last evaluated: 2026-07-08. Review status: criteria provided, single submitter. Criteria: GeneDx Variant Classification Process June 2021. Collection method: clinical testing. Allele origin: germline.
Comment: Not observed at significant frequency in large population cohorts (gnomAD); In silico analysis supports that this missense variant has a deleterious effect on protein structure/function; Has not been previously published as pathogenic or benign to our knowledge

NM_001353345.2(SETD1B):c.5705G>A (p.Arg1902His)

Gene: SETD1B (SET domain containing 1B, histone lysine methyltransferase; plus strand). Cytogenetic location: 12q24.31.
Variant type: single nucleotide variant.
Coding change: c.5705G>A on transcript NM_001353345.2 (MANE Select); coding-DNA position 5705, G replaced by A.
Protein change: p.Arg1902His; replaces arginine 1902 with histidine.
Molecular consequence: missense variant.
Genome position (GRCh38, 1-based): chr12:121,828,048, G>A. VCF-style: chr12-121828048-G-A. GRCh37 (hg19) VCF-style: chr12-122265954-G-A.
Other names: short protein forms R1902H.
Identifiers: ClinVar variation 3364736 (VCV003364736.2).